The following is an entry in ClinVar:

ClinVar aggregate classification (germline): Uncertain significance. Review status: criteria provided, multiple submitters, no conflicts (2 of 4 stars). 2 submissions from 2 submitters: Uncertain significance (2). Last evaluated 2022-09-26.

Conditions:
Long QT syndrome (LQTS). Identifiers: MedGen C0023976, MeSH D008133, MONDO:0002442. Disease mechanism: loss of function. Inheritance: Various modes of inheritance.
Cardiovascular phenotype. Identifiers: MedGen CN230736.

Allele frequency attached by ClinVar (database versions not stated): TOPMed below 0.00001; gnomAD 0.00001.
gnomAD v4.1: 1 of 1,613,448 alleles (0.000062%); highest among the groups gnomAD compares: African/African-American, 0.0013%; no homozygotes.

Submissions (2):

Ambry Genetics
Classification: Uncertain significance for Cardiovascular phenotype. Last evaluated: 2022-09-26. Review status: criteria provided, single submitter. Criteria: Ambry Variant Classification Scheme 2023. Collection method: clinical testing. Allele origin: germline.
Comment: The p.D3726V variant (also known as c.11177A>T), located in coding exon 42 of the ANK2 gene, results from an A to T substitution at nucleotide position 11177. The aspartic acid at codon 3726 is replaced by valine, an amino acid with highly dissimilar properties. This amino acid position is conserved. In addition, this alteration is predicted to be deleterious by in silico analysis. Since supporting evidence is limited at this time, the clinical significance of this alteration remains unclear.

Labcorp Genetics (formerly Invitae), Labcorp
Classification: Uncertain significance for Long QT syndrome. Last evaluated: 2022-09-01. Review status: criteria provided, single submitter. Criteria: Invitae Variant Classification Sherloc (09022015). Collection method: clinical testing. Allele origin: germline.
Comment: In summary, the available evidence is currently insufficient to determine the role of this variant in disease. Therefore, it has been classified as a Variant of Uncertain Significance. This sequence change replaces aspartic acid, which is acidic and polar, with valine, which is neutral and non-polar, at codon 3726 of the ANK2 protein (p.Asp3726Val). This variant is not present in population databases (gnomAD no frequency). This variant has not been reported in the literature in individuals affected with ANK2-related conditions. ClinVar contains an entry for this variant (Variation ID: 526979). Algorithms developed to predict the effect of missense changes on protein structure and function are either unavailable or do not agree on the potential impact of this missense change (SIFT: "Tolerated"; PolyPhen-2: "Probably Damaging"; Align-GVGD: "Class C0"). Algorithms developed to predict the effect of sequence changes on RNA splicing suggest that this variant may create or strengthen a splice site.

NM_001148.6(ANK2):c.11177A>T (p.Asp3726Val)

Gene: ANK2 (ankyrin 2; plus strand). Cytogenetic location: 4q26.
Variant type: single nucleotide variant.
Coding change: c.11177A>T on transcript NM_001148.6 (MANE Select); coding-DNA position 11177, A replaced by T.
Protein change: p.Asp3726Val; replaces aspartic acid 3726 with valine.
Molecular consequence: missense variant.
Genome position (GRCh38, 1-based): chr4:113,367,710, A>T. VCF-style: chr4-113367710-A-T. GRCh37 (hg19) VCF-style: chr4-114288866-A-T.
Other names: c.4895A>T, p.Asp1632Val (NM_001127493.3); c.4934A>T, p.Asp1645Val (NM_001354225.2); c.4823A>T, p.Asp1608Val (NM_001354228.2, NM_001354258.2); c.4901A>T, p.Asp1634Val (NM_001354230.2); c.4964A>T, p.Asp1655Val (NM_001354231.2, NM_001354242.2); c.4958A>T, p.Asp1653Val (NM_001354232.2); c.4919A>T, p.Asp1640Val (NM_001354235.2, NM_001354246.2, NM_001354265.2); c.4820A>T, p.Asp1607Val (NM_001354236.2); and 35 more; short protein forms D3726V, D1632V, D1541V, D1554V, D1566V, D1575V, D1607V, D1634V.
Identifiers: ClinVar variation 526979 (VCV000526979.9), dbSNP rs762384095, ClinGen allele CA357942133.